The following is an entry in ClinVar:

NM_020706.2(SCAF4):c.1339C>A (p.Arg447=)

Gene: SCAF4 (SR-related CTD associated factor 4; minus strand). Cytogenetic location: 21q22.11.
Variant type: single nucleotide variant.
Coding change: c.1339C>A on transcript NM_020706.2 (MANE Select); coding-DNA position 1339, C replaced by A.
Protein change: p.Arg447=; no amino-acid change (arginine 447 retained).
Molecular consequence: synonymous variant.
Genome position (GRCh38, 1-based): chr21:31,693,468, G>T on the plus strand (C>A on the coding strand, the complement: SCAF4 is on the minus strand). VCF-style: chr21-31693468-G-T. GRCh37 (hg19) VCF-style: chr21-33065781-G-T.
Other names: c.1294C>A, p.Arg432= (NM_001145444.1); c.1339C>A, p.Arg447= (NM_001145445.1).
Identifiers: ClinVar variation 3905769 (VCV003905769.10).

ClinVar aggregate classification (germline): Likely benign (1 of 4 stars; one submission).

Submission:

CeGaT Center for Human Genetics Tuebingen
Classification: Likely benign. Last evaluated: 2025-05-01. Review status: criteria provided, single submitter. Criteria: CeGaT Center For Human Genetics Tuebingen Variant Classification Criteria Version 2. Collection method: clinical testing. Allele origin: germline. Affected: yes. Observed: 1 variant allele.
Comment: SCAF4: PM2:Supporting, BP4, BP7